The following is an entry in ClinVar:

NM_177438.3(DICER1):c.1386G>C (p.Lys462Asn)

Gene: DICER1 (dicer 1, ribonuclease III; minus strand). Cytogenetic location: 14q32.13.
Variant type: single nucleotide variant.
Coding change: c.1386G>C on transcript NM_177438.3 (MANE Select); coding-DNA position 1386, G replaced by C.
Protein change: p.Lys462Asn; replaces lysine 462 with asparagine.
Molecular consequence: missense variant. On other transcripts: 5 prime UTR variant (1), non-coding transcript variant (6).
Genome position (GRCh38, 1-based): chr14:95,117,745, C>G on the plus strand (G>C on the coding strand, the complement: DICER1 is on the minus strand). VCF-style: chr14-95117745-C-G. GRCh37 (hg19) VCF-style: chr14-95584082-C-G.
Other names: c.1386G>C, p.Lys462Asn (NM_001195573.1, NM_001271282.3, NM_001291628.2 and 13 more transcripts); c.1104G>C, p.Lys368Asn (NM_001395686.1); c.981G>C, p.Lys327Asn (NM_001395687.1, NM_001395688.1, NM_001395689.1 and 3 more transcripts); c.819G>C, p.Lys273Asn (NM_001395691.1); c.-183G>C (NM_001395697.1); short protein forms K273N, K462N, K368N, K327N.
Identifiers: ClinVar variation 1771416 (VCV001771416.2), dbSNP rs2543064285, ClinGen allele CA390885686.
Genomic context (GRCh38, chr14:95,117,745, plus strand): 5'-ATGTCCAGTTATGAAATTGCTACTGATATAAGCCAGCTCTGGATCTTGTTTGCCAGCTTC[C>G]TTTATCAATCTAAGAAAATTATACACATTTGGAAGTTAAACGTTGCTGAAAGAAAATAAA-3'
Protein context (NP_803187.1, residues 452-472): YTAVVLNRLI[Lys462Asn]EAGKQDPELA

ClinVar aggregate classification (germline): Uncertain significance (1 of 4 stars; one submission).

Conditions:
Hereditary cancer-predisposing syndrome. Also called: Hereditary Cancer Syndrome; Hereditary neoplastic syndrome; Neoplastic Syndromes, Hereditary; Tumor predisposition. Identifiers: Orphanet 140162, MedGen C0027672, MeSH D009386, MONDO:0015356.

Submission:

Ambry Genetics
Classification: Uncertain significance for Hereditary cancer-predisposing syndrome. Last evaluated: 2022-04-24. Review status: criteria provided, single submitter. Criteria: Ambry Variant Classification Scheme 2023. Collection method: clinical testing. Allele origin: germline.
Comment: The p.K462N variant (also known as c.1386G>C), located in coding exon 8 of the DICER1 gene, results from a G to C substitution at nucleotide position 1386. The lysine at codon 462 is replaced by asparagine, an amino acid with similar properties. This amino acid position is conserved. In addition, this alteration is predicted to be tolerated by in silico analysis. Since supporting evidence is limited at this time, the clinical significance of this alteration remains unclear.